The following is an entry in ClinVar:

NC_000007.13:g.(?_146805219)_(146805462_?)dup

Gene: CNTNAP2 (contactin associated protein 2; plus strand). Cytogenetic location: 7q35.
Variant type: Duplication.
Identifiers: ClinVar variation 1411788 (VCV001411788.5).

ClinVar aggregate classification (germline): Uncertain significance (1 of 4 stars; one submission).

Conditions:
Cortical dysplasia-focal epilepsy syndrome (PTHSL1). Also called: Pitt-Hopkins-like syndrome 1. Identifiers: Orphanet 163681, Orphanet 221150, MedGen C2750246, MONDO:0012400, OMIM 610042.

Submission:

Labcorp Genetics (formerly Invitae), Labcorp
Classification: Uncertain significance for Cortical dysplasia-focal epilepsy syndrome. Last evaluated: 2021-03-01. Review status: criteria provided, single submitter. Criteria: Invitae Variant Classification Sherloc (09022015). Collection method: clinical testing. Allele origin: germline.
Comment: This variant results in a copy number gain of the genomic region encompassing exon(s) 5 of the CNTNAP2 gene. While the exact position of this variant cannot be determined from the data, sub-genic copy number gains are generally in tandem (PMID: 25640679). This variant is predicted to be in-frame, and likely preserves the integrity of the reading frame. This variant has not been reported in the literature in individuals with CNTNAP2-related conditions. In summary, the available evidence is currently insufficient to determine the role of this variant in disease. Therefore, it has been classified as a Variant of Uncertain Significance.

Literature cited by the submitters: PubMed 25640679.